The following is an entry in ClinVar:

ClinVar aggregate classification (germline): Uncertain significance. Review status: criteria provided, multiple submitters, no conflicts (2 of 4 stars). 3 submissions from 3 submitters: Uncertain significance (3). Last evaluated 2024-03-08.

Conditions:
Autosomal dominant osteopetrosis 1 (OPTA1). Also called: OSTEOPETROSIS, AUTOSOMAL DOMINANT, TYPE I. Identifiers: Orphanet 2783, MedGen C1843330, MONDO:0011877, OMIM 607634.
Bone mineral density quantitative trait locus 1 (BMND1). Identifiers: MedGen C1866079, OMIM 601884.
Exudative vitreoretinopathy 4 (EVR4). Identifiers: Orphanet 891, MedGen C1866176, MONDO:0011151, OMIM 601813.
Polycystic liver disease 4 with or without kidney cysts. Identifiers: MedGen C4693479, MONDO:0044327, OMIM 617875.
Osteoporosis with pseudoglioma (OPPG). Also called: osteoporosis-pseudoglioma syndrome. Identifiers: Orphanet 2788, MedGen C0432252, MONDO:0009820, OMIM 259770.
Worth disease. Also called: Autosomal dominant osteosclerosis, Worth type; ENDOSTEAL HYPEROSTOSIS, AUTOSOMAL DOMINANT; OSTEOSCLEROSIS, AUTOSOMAL DOMINANT. Identifiers: Orphanet 2790, MedGen C0432273, MONDO:0007764, OMIM 144750.

Allele frequency attached by ClinVar (database versions not stated): TOPMed 0.00001.
gnomAD v4.1: 8 of 1,611,420 alleles (0.0005%); highest among the groups gnomAD compares: East Asian, 0.011%; no homozygotes.

Submissions (3):

Fulgent Genetics
Classification: Uncertain significance for Worth disease; Osteoporosis with pseudoglioma; Exudative vitreoretinopathy 4; Bone mineral density quantitative trait locus 1; Autosomal dominant osteopetrosis 1; Polycystic liver disease 4 with or without kidney cysts. Last evaluated: 2024-03-08. Review status: criteria provided, single submitter. Criteria: ACMG Guidelines, 2015. Collection method: clinical testing. Allele origin: germline.

Blueprint Genetics
Classification: Uncertain significance. Last evaluated: 2023-09-20. Review status: criteria provided, single submitter. Criteria: ACMG Guidelines, 2015. Collection method: clinical testing. Allele origin: germline.

Labcorp Genetics (formerly Invitae), Labcorp
Classification: Uncertain significance. Last evaluated: 2022-12-15. Review status: criteria provided, single submitter. Criteria: Invitae Variant Classification Sherloc (09022015). Collection method: clinical testing. Allele origin: germline.
Comment: In summary, the available evidence is currently insufficient to determine the role of this variant in disease. Therefore, it has been classified as a Variant of Uncertain Significance. Advanced modeling of protein sequence and biophysical properties (such as structural, functional, and spatial information, amino acid conservation, physicochemical variation, residue mobility, and thermodynamic stability) performed at Invitae indicates that this missense variant is not expected to disrupt LRP5 protein function. This variant has not been reported in the literature in individuals affected with LRP5-related conditions. The frequency data for this variant in the population databases is considered unreliable, as metrics indicate poor data quality at this position in the gnomAD database. This sequence change replaces glycine, which is neutral and non-polar, with arginine, which is basic and polar, at codon 1454 of the LRP5 protein (p.Gly1454Arg).

NM_002335.4(LRP5):c.4360G>A (p.Gly1454Arg)

Gene: LRP5 (LDL receptor related protein 5; plus strand). Cytogenetic location: 11q13.2.
Variant type: single nucleotide variant.
Coding change: c.4360G>A on transcript NM_002335.4 (MANE Select); coding-DNA position 4360, G replaced by A.
Protein change: p.Gly1454Arg; replaces glycine 1454 with arginine.
Molecular consequence: missense variant.
Genome position (GRCh38, 1-based): chr11:68,439,788, G>A. VCF-style: chr11-68439788-G-A. GRCh37 (hg19) VCF-style: chr11-68207256-G-A.
Other names: c.2617G>A, p.Gly873Arg (NM_001291902.2); short protein forms G1454R, G873R.
Identifiers: ClinVar variation 2966291 (VCV002966291.5), dbSNP rs888302919, ClinGen allele CA224255633.